The following is an entry in ClinVar:

ClinVar aggregate classification (germline): Uncertain significance (1 of 4 stars; one submission).

Submission:

GeneDx
Classification: Uncertain significance. Last evaluated: 2014-12-05. Review status: criteria provided, single submitter. Criteria: GeneDx Variant Classification (06012015). Collection method: clinical testing. Allele origin: germline. Affected: yes.
Comment: p.Asp222Asn (GAC>AAC): c.664 G>A in exon 5 of the MRPS22 gene (NM_020191.2). A variant of unknown significance has been identified in the MRPS22 gene. The D222N variant has not been published as a mutation, nor has it been reported as a benign polymorphism to our knowledge. The D222N variant is a semi-conservative amino acid substitution, which may impact secondary protein structure as these residues differ in some properties. This substitution occurs at a position that is conserved across species. In silico analysis is inconsistent in its predictions as to whether or not the variant is damaging to the protein structure/function. A missense mutation in a nearby residue (L215P) has been reported in association with oxidative phosphorylation deficiency, supporting the functional importance of this region of the protein. Therefore, based on the currently available information, it is unclear whether this variant is a pathogenic mutation or a rare benign variant. The variant is found in MITONUC-MITOP panel(s).

NM_020191.4(MRPS22):c.664G>A (p.Asp222Asn)

Gene: MRPS22 (mitochondrial ribosomal protein S22; plus strand). Cytogenetic location: 3q23.
Variant type: single nucleotide variant.
Coding change: c.664G>A on transcript NM_020191.4 (MANE Select); coding-DNA position 664, G replaced by A.
Protein change: p.Asp222Asn; replaces aspartic acid 222 with asparagine.
Molecular consequence: missense variant.
Genome position (GRCh38, 1-based): chr3:139,350,992, G>A. VCF-style: chr3-139350992-G-A. GRCh37 (hg19) VCF-style: chr3-139069834-G-A.
Other names: p.D222N:GAC>AAC; c.541G>A, p.Asp181Asn (NM_001363857.1); c.661G>A, p.Asp221Asn (NM_001363893.1); short protein forms D222N, D221N, D181N.
Identifiers: ClinVar variation 214687 (VCV000214687.2), dbSNP rs863224078, ClinGen allele CA322795.